The following is an entry in ClinVar:

ClinVar aggregate classification (germline): Likely benign (1 of 4 stars; one submission).

Allele frequency attached by ClinVar (database versions not stated): ExAC 0.00001; gnomAD exomes 0.00001.
gnomAD v4.1: 2 of 1,612,898 alleles (0.00012%); highest among the groups gnomAD compares: Admixed American, 0.0033%; no homozygotes.

Submission:

GeneDx
Classification: Likely benign. Last evaluated: 2016-06-21. Review status: criteria provided, single submitter. Criteria: GeneDx Variant Classification (06012015). Collection method: clinical testing. Allele origin: germline. Affected: yes.
Comment: This variant is considered likely benign or benign based on one or more of the following criteria: it is a conservative change, it occurs at a poorly conserved position in the protein, it is predicted to be benign by multiple in silico algorithms, and/or has population frequency not consistent with disease.

NM_001330078.2(NRXN1):c.3547-18T>C

Gene: NRXN1 (neurexin 1; minus strand). Cytogenetic location: 2p16.3.
Variant type: single nucleotide variant.
Coding change: c.3547-18T>C on transcript NM_001330078.2 (MANE Select); 18 bases into the intron before coding-DNA position 3547, T replaced by C.
Molecular consequence: intron variant.
Genome position (GRCh38, 1-based): chr2:50,091,512, A>G on the plus strand (T>C on the coding strand, the complement: NRXN1 is on the minus strand). VCF-style: chr2-50091512-A-G. GRCh37 (hg19) VCF-style: chr2-50318650-A-G.
Other names: c.3436-18T>C (NM_001330096.2, NM_001330087.2); c.3481-18T>C (NM_001330083.2, NM_001330084.2); c.3466-18T>C (NM_001330088.2); c.3544-18T>C (NM_001330093.2); c.3535-18T>C (NM_001330094.2); c.3496-18T>C (NM_001330095.2); c.3523-18T>C (NM_001330082.2, NM_001330077.2); c.3520-18T>C (NM_001330085.2); and 3 more.
Identifiers: ClinVar variation 386973 (VCV000386973.1), dbSNP rs754285936, ClinGen allele CA1654429.